The following is an entry in ClinVar:

NM_015570.4(AUTS2):c.41_46dup (p.Arg15_Ser16insTrpArg)

Gene: AUTS2 (activator of transcription and developmental regulator AUTS2; plus strand). Cytogenetic location: 7q11.22.
Variant type: Duplication.
Coding change: c.41_46dup on transcript NM_015570.4 (MANE Select); coding-DNA positions 41 to 46, 6 bases duplicated (GGCGGT; older notation c.41_46dupGGCGGT).
Protein change: p.Arg15_Ser16insTrpArg.
Molecular consequence: inframe insertion.
Genome position (GRCh38, 1-based): chr7:69,599,694-69,599,699, GGCGGT duplicated. VCF-style (leftmost placement, unchanged base first): chr7-69599693-C-CGGCGGT. GRCh37 (hg19) VCF-style: chr7-69064679-C-CGGCGGT.
Other names: c.41_46dup, p.Arg15_Ser16insTrpArg (NM_001127231.3, NM_001127232.3).
Identifiers: ClinVar variation 1307171 (VCV001307171.3), dbSNP rs2129067329, ClinGen allele CA2573052908.
Genomic context (GRCh38, chr7:69,599,693, plus strand): 5'-AGACCCCGGCGCAGCAGAACCATGGATGGCCCGACGCGGGGCCATGGACTCCGCAAAAAG[C>CGGCGGT]GGCGGTCGCGGTCGCAGCGAGACCGGGAGAGGCGCTCCCGGGGCGGGCTGGGGGCCGGCG-3'

ClinVar aggregate classification (germline): Uncertain significance (1 of 4 stars; one submission).

Submission:

GeneDx
Classification: Uncertain significance. Last evaluated: 2025-12-11. Review status: criteria provided, single submitter. Criteria: GeneDx Variant Classification Process June 2021. Collection method: clinical testing. Allele origin: germline. Affected: yes.
Comment: Not observed at significant frequency in large population cohorts (gnomAD); In-frame insertion of 2 amino acids in a non-repeat region; Has not been previously published as pathogenic or benign to our knowledge